The following is an entry in ClinVar:

NC_012920.1(MT-CYB):m.14879A>T

Gene: MT-CYB (mitochondrially encoded cytochrome b; plus strand).
Variant type: single nucleotide variant.
Genome position: chrM-14879-A-T.
Identifiers: ClinVar variation 693783 (VCV000693783.1), dbSNP rs1603224945, ClinGen allele CA913172345.
Genomic context (GRCh38, chrMT:14,879, plus strand): 5'-TCCAACATCTCCGCATGATGAAACTTCGGCTCACTCCTTGGCGCCTGCCTGATCCTCCAA[A>T]TCACCACAGGACTATTCCTAGCCATGCACTACTCACCAGACGCCTCAACCGCCTTTTCAT-3'

ClinVar aggregate classification (germline): Likely benign (1 of 4 stars; one submission).

Conditions:
Leigh syndrome (NULS). Also called: Leigh's necrotizing encephalopathy; Leigh's disease; Leigh's syndrome; LEIGH SYNDROME, NUCLEAR; Leigh Syndrome (mtDNA deletion); Leigh Disease. Identifiers: Orphanet 506, MedGen C2931891, MONDO:0009723, OMIM 256000.

Submission:

Wong Mito Lab, Molecular and Human Genetics, Baylor College of Medicine
Classification: Likely benign for Leigh syndrome. Last evaluated: 2019-10-17. Review status: criteria provided, single submitter. Criteria: Modified ACMG Guidelines (Unpublished). Collection method: clinical testing. Allele origin: germline.
Comment: The NC_012920.1:m.14879A>T (YP_003024038.1:p.Ile45Phe) variant in MTCYB gene is interpretated to be a Likely Benign variant based on the modified ACMG guidelines (unpublished). This variant meets the following evidence codes: BS4, BP4